The following is an entry in ClinVar:

GRCh37/hg19 Xq22.3(chrX:107683053-107940795)

Gene: COL4A5 (collagen type IV alpha 5 chain; plus strand). Cytogenetic location: Xq22.3.
Variant type: copy number loss.
Identifiers: ClinVar variation 1179211 (VCV001179211.2).

ClinVar aggregate classification (germline): Pathogenic (0 of 4 stars; one submission).

Conditions:
X-linked Alport syndrome (ATS1). Also called: COL4A5-Related Nephropathy; NEPHROPATHY AND DEAFNESS, X-LINKED. Identifiers: Orphanet 63, Orphanet 88917, MedGen C4746986, MONDO:0010520, OMIM 301050.

Submission:

Fulgent Genetics
Classification: Pathogenic for X-linked Alport syndrome. Review status: no assertion criteria provided. Collection method: clinical testing. Allele origin: unknown.
Comment: This variant has been detected in individual(s) who were sent for testing of Renasight - kidney gene panel.